The following is an entry in ClinVar:

NM_001083116.3(PRF1):c.1180C>T (p.Gln394Ter)

Gene: PRF1 (perforin 1; minus strand). Cytogenetic location: 10q22.1.
Variant type: single nucleotide variant.
Coding change: c.1180C>T on transcript NM_001083116.3 (MANE Select); coding-DNA position 1180, C replaced by T.
Protein change: p.Gln394Ter; replaces glutamine 394 with a stop codon.
Molecular consequence: nonsense.
Genome position (GRCh38, 1-based): chr10:70,598,541, G>A on the plus strand (C>T on the coding strand, the complement: PRF1 is on the minus strand). VCF-style: chr10-70598541-G-A. GRCh37 (hg19) VCF-style: chr10-72358297-G-A.
Other names: c.1180C>T, p.Gln394Ter (NM_005041.6); short protein forms Q394*.
Identifiers: ClinVar variation 2445696 (VCV002445696.1), dbSNP rs2493483138, ClinGen allele CA376956821.

ClinVar aggregate classification (germline): Likely pathogenic (1 of 4 stars; one submission).

Conditions:
Familial hemophagocytic lymphohistiocytosis (FHL). Also called: Hereditary hemophagocytic lymphohistiocytosis; Familial erythrophagocytic lymphohistiocytosis; Familial histiocytic reticulosis. Identifiers: Orphanet 158038, Orphanet 540, MedGen C0272199, MONDO:0015541.

Submission:

Women's Health and Genetics/Laboratory Corporation of America, LabCorp
Classification: Likely pathogenic for Familial hemophagocytic lymphohistiocytosis. Last evaluated: 2023-02-28. Review status: criteria provided, single submitter. Criteria: LabCorp Variant Classification Summary - May 2015. Collection method: clinical testing. Allele origin: germline.
Comment: Variant summary: PRF1 c.1180C>T (p.Gln394X) results in a premature termination codon, predicted to cause a truncation of the encoded protein or absence of the protein due to nonsense mediated decay, which are commonly known mechanisms for disease. Truncations downstream of this position have been classified as pathogenic in ClinVar and are associated with Haemophagocytic lymphohistiocytosis in HGMD. The variant was absent in 247408 control chromosomes. To our knowledge, no occurrence of c.1180C>T in individuals affected with Familial Hemophagocytic Lymphohistiocytosis and no experimental evidence demonstrating its impact on protein function have been reported. No clinical diagnostic laboratories have submitted clinical-significance assessments for this variant to ClinVar after 2014. Based on the evidence outlined above, the variant was classified as likely pathogenic.